The following is an entry in ClinVar:

NM_001458.5(FLNC):c.3785C>T (p.Pro1262Leu)

Gene: FLNC (filamin C; plus strand). Cytogenetic location: 7q32.1.
Variant type: single nucleotide variant.
Coding change: c.3785C>T on transcript NM_001458.5 (MANE Select); coding-DNA position 3785, C replaced by T.
Protein change: p.Pro1262Leu; replaces proline 1262 with leucine.
Molecular consequence: missense variant.
Genome position (GRCh38, 1-based): chr7:128,845,250, C>T. VCF-style: chr7-128845250-C-T. GRCh37 (hg19) VCF-style: chr7-128485304-C-T.
Other names: c.3785C>T (NM_001458.4); c.3785C>T, p.Pro1262Leu (NM_001127487.2); short protein forms P1262L.
Identifiers: ClinVar variation 1378059 (VCV001378059.9), dbSNP rs757144162, ClinGen allele CA4475123.
Genomic context (GRCh38, chr7:128,845,250, plus strand): 5'-TCCATGTGCAGCCTGCGGTCGATACCAGTGGCGTCAAGGTCTCAGGGCCTGGTGTTGAGC[C>T]ACACGGTGAGTGGACAGGAGGAGCCAAGAAAGGTCAAGTGGCAGGTGCAGGAGCTGGGTA-3'
Protein context (NP_001449.3, residues 1252-1272): GVKVSGPGVE[Pro1262Leu]HGVLREVTTE

ClinVar aggregate classification (germline): Uncertain significance. Review status: criteria provided, multiple submitters, no conflicts (2 of 4 stars). 2 submissions from 2 submitters: Uncertain significance (2). Last evaluated 2025-04-29.

Conditions:
Myofibrillar myopathy 5. Also called: Filaminopathy (type); FILAMINOPATHY, AUTOSOMAL DOMINANT. Identifiers: Orphanet 171445, MedGen C1836050, MONDO:0012289, OMIM 609524.
Distal myopathy with posterior leg and anterior hand involvement. Also called: WILLIAMS DISTAL MYOPATHY. Identifiers: Orphanet 63273, MedGen C3279722, MONDO:0013550, OMIM 614065.
Hypertrophic cardiomyopathy 26. Also called: Cardiomyopathy, familial hypertrophic, 26. Identifiers: Orphanet 75249, MedGen C4310749, MONDO:0014883, OMIM 617047.

Allele frequency attached by ClinVar (database versions not stated): gnomAD exomes below 0.00001; TOPMed below 0.00001; ExAC 0.00001; gnomAD 0.00001.
gnomAD v4.1: 3 of 1,612,684 alleles (0.00019%); highest among the groups gnomAD compares: Non-Finnish European, 0.00017%; no homozygotes.

Submissions (2):

GeneDx
Classification: Uncertain significance. Last evaluated: 2025-04-29. Review status: criteria provided, single submitter. Criteria: GeneDx Variant Classification Process June 2021. Collection method: clinical testing. Allele origin: germline. Affected: yes.
Comment: Not observed at significant frequency in large population cohorts (gnomAD); In silico analysis supports that this missense variant has a deleterious effect on protein structure/function; Has not been previously published as pathogenic or benign to our knowledge

Labcorp Genetics (formerly Invitae), Labcorp
Classification: Uncertain significance for Distal myopathy with posterior leg and anterior hand involvement; Myofibrillar myopathy 5; Hypertrophic cardiomyopathy 26. Last evaluated: 2022-03-08. Review status: criteria provided, single submitter. Criteria: Invitae Variant Classification Sherloc (09022015). Collection method: clinical testing. Allele origin: germline.
Comment: In summary, the available evidence is currently insufficient to determine the role of this variant in disease. Therefore, it has been classified as a Variant of Uncertain Significance. Algorithms developed to predict the effect of missense changes on protein structure and function are either unavailable or do not agree on the potential impact of this missense change (SIFT: "Deleterious"; PolyPhen-2: "Probably Damaging"; Align-GVGD: "Class C0"). This variant has not been reported in the literature in individuals affected with FLNC-related conditions. This variant is present in population databases (rs757144162, gnomAD 0.0009%). This sequence change replaces proline, which is neutral and non-polar, with leucine, which is neutral and non-polar, at codon 1262 of the FLNC protein (p.Pro1262Leu).